The following is an entry in ClinVar:

ClinVar aggregate classification (germline): Uncertain significance (1 of 4 stars; one submission).

Conditions:
Inborn genetic diseases. Identifiers: MedGen C0950123, MeSH D030342.

Submission:

Ambry Genetics
Classification: Uncertain significance for Inborn genetic diseases. Last evaluated: 2024-04-26. Review status: criteria provided, single submitter. Criteria: Ambry Variant Classification Scheme 2023. Collection method: clinical testing. Allele origin: germline.
Comment: The p.K328E variant (also known as c.982A>G), located in coding exon 9 of the MDH2 gene, results from an A to G substitution at nucleotide position 982. The lysine at codon 328 is replaced by glutamic acid, an amino acid with similar properties. This amino acid position is conserved. In addition, this alteration is predicted to be tolerated by in silico analysis. Based on the available evidence, the clinical significance of this variant remains unclear.

NM_005918.4(MDH2):c.982A>G (p.Lys328Glu)

Gene: MDH2 (malate dehydrogenase 2; plus strand). Cytogenetic location: 7q11.23.
Variant type: single nucleotide variant.
Coding change: c.982A>G on transcript NM_005918.4 (MANE Select); coding-DNA position 982, A replaced by G.
Protein change: p.Lys328Glu; replaces lysine 328 with glutamic acid.
Molecular consequence: missense variant.
Genome position (GRCh38, 1-based): chr7:76,066,375, A>G. VCF-style: chr7-76066375-A-G. GRCh37 (hg19) VCF-style: chr7-75695693-A-G.
Other names: c.856A>G, p.Lys286Glu (NM_001282403.2); c.661A>G, p.Lys221Glu (NM_001282404.2); short protein forms K328E, K286E, K221E.
Identifiers: ClinVar variation 3293833 (VCV003293833.1).